The following is an entry in ClinVar:

NM_001257180.2(SLC20A2):c.211C>T (p.Arg71Cys)

Gene: SLC20A2 (solute carrier family 20 member 2; minus strand). Cytogenetic location: 8p11.21.
Variant type: single nucleotide variant.
Coding change: c.211C>T on transcript NM_001257180.2 (MANE Select); coding-DNA position 211, C replaced by T.
Protein change: p.Arg71Cys; replaces arginine 71 with cysteine.
Molecular consequence: missense variant.
Genome position (GRCh38, 1-based): chr8:42,472,180, G>A on the plus strand (C>T on the coding strand, the complement: SLC20A2 is on the minus strand). VCF-style: chr8-42472180-G-A. GRCh37 (hg19) VCF-style: chr8-42329698-G-A.
Other names: c.211C>T, p.Arg71Cys (NM_001257181.2, NM_006749.5); short protein forms R71C.
Identifiers: ClinVar variation 2429026 (VCV002429026.4), dbSNP rs373139157, ClinGen allele CA4733642.
Genomic context (GRCh38, chr8:42,472,180, plus strand): 5'-CCCCAGCCATGAGAGTCTCCACCGTCTCGTTGTACAGGTTCACGTCAATGATACCTTTGC[G>A]AATGGTTTCTCCTACTTTGGCGCCTAGTAACACGGAGCCGGTGGTTTCAAATATTGAAGC-3'
Protein context (NP_001244109.1, residues 61-81): LLGAKVGETI[Arg71Cys]KGIIDVNLYN

ClinVar aggregate classification (germline): Uncertain significance (1 of 4 stars; one submission).

Allele frequency attached by ClinVar (database versions not stated): gnomAD exomes below 0.00001; ExAC 0.00001; TOPMed 0.00001; ESP Exome Variant Server 0.00008.

Submission:

Greenwood Genetic Center Diagnostic Laboratories, Greenwood Genetic Center
Classification: Uncertain significance. Last evaluated: 2022-12-13. Review status: criteria provided, single submitter. Criteria: ACMG Guidelines, 2015. Collection method: clinical testing. Allele origin: germline. Affected: yes.
Comment: PM2, PP3